The following is an entry in ClinVar:

NM_000180.4(GUCY2D):c.3129G>A (p.Thr1043=)

Gene: GUCY2D (guanylate cyclase 2D, retinal; plus strand). Cytogenetic location: 17p13.1.
Variant type: single nucleotide variant.
Coding change: c.3129G>A on transcript NM_000180.4 (MANE Select); coding-DNA position 3129, G replaced by A.
Protein change: p.Thr1043=; no amino-acid change (threonine 1043 retained).
Molecular consequence: synonymous variant.
Genome position (GRCh38, 1-based): chr17:8,016,012, G>A. VCF-style: chr17-8016012-G-A. GRCh37 (hg19) VCF-style: chr17-7919330-G-A.
Other names: c.3129G>A (NM_000180.3).
Identifiers: ClinVar variation 1124236 (VCV001124236.11), dbSNP rs200403362, ClinGen allele CA8366318.

ClinVar aggregate classification (germline): Likely benign. Review status: criteria provided, multiple submitters, no conflicts (2 of 4 stars). 3 submissions from 3 submitters: Likely benign (3). Last evaluated 2026-01-05.

Conditions:
GUCY2D-related disorder. Also called: GUCY2D-related condition.
Leber congenital amaurosis 1 (LCA1). Also called: AMAUROSIS CONGENITA OF LEBER I; Congenital absence of the rods and cones; Leber's congenital tapetoretinal degeneration; Leber's congenital tapetoretinal dysplasia; RETINAL BLINDNESS, CONGENITAL. Identifiers: Orphanet 65, MedGen C2931258, MONDO:0008764, OMIM 204000.
Cone-rod dystrophy 6 (CORD6). Also called: Cone dystrophy progressive; RETINAL CONE DYSTROPHY 2. Identifiers: Orphanet 1872, MedGen C1866293, MONDO:0011143, OMIM 601777.

Allele frequency attached by ClinVar (database versions not stated): ExAC 0.00003; gnomAD 0.00007 and 0.00009; TOPMed 0.00014; 1000 Genomes Project 30x 0.00047; 1000 Genomes Project 0.00060.
gnomAD v4.1: 21 of 1,607,104 alleles (0.0013%); highest among the groups gnomAD compares: African/African-American, 0.012%; no homozygotes.

Submissions (3):

Labcorp Genetics (formerly Invitae), Labcorp
Classification: Likely benign for Leber congenital amaurosis 1; Cone-rod dystrophy 6. Last evaluated: 2026-01-05. Review status: criteria provided, single submitter. Criteria: Invitae Variant Classification Sherloc (09022015). Collection method: clinical testing. Allele origin: germline.

PreventionGenetics, part of Exact Sciences
Classification: Likely benign for GUCY2D-related condition. Last evaluated: 2025-05-28. Review status: criteria provided, single submitter. Criteria: ACMG Guidelines, 2015. Collection method: clinical testing. Allele origin: germline.
Comment: This variant is classified as likely benign based on ACMG/AMP sequence variant interpretation guidelines (Richards et al. 2015 PMID: 25741868, with internal and published modifications).

Blueprint Genetics
Classification: Likely benign. Last evaluated: 2022-06-23. Review status: criteria provided, single submitter. Criteria: ACMG Guidelines, 2015. Collection method: clinical testing. Allele origin: germline.